The following is an entry in ClinVar:

ClinVar aggregate classification (germline): Likely pathogenic. Review status: criteria provided, multiple submitters, no conflicts (2 of 4 stars). 2 submissions from 2 submitters: Likely pathogenic (2). Last evaluated 2024-05-07.

Conditions:
Primary hyperoxaluria type 3. Also called: PH III. Identifiers: Orphanet 416, Orphanet 93600, MedGen C3150878, MONDO:0013327, OMIM 613616. Disease mechanism: loss of function.

Submissions (2):

Fulgent Genetics
Classification: Likely pathogenic for Primary hyperoxaluria type 3. Last evaluated: 2024-05-07. Review status: criteria provided, single submitter. Criteria: ACMG Guidelines, 2015. Collection method: clinical testing. Allele origin: germline.

Labcorp Genetics (formerly Invitae), Labcorp
Classification: Likely pathogenic. Last evaluated: 2023-09-24. Review status: criteria provided, single submitter. Criteria: Invitae Variant Classification Sherloc (09022015). Collection method: clinical testing. Allele origin: germline.
Comment: This variant has not been reported in the literature in individuals affected with HOGA1-related conditions. This variant is not present in population databases (gnomAD no frequency). This sequence change replaces arginine, which is basic and polar, with glycine, which is neutral and non-polar, at codon 303 of the HOGA1 protein (p.Arg303Gly). Advanced modeling of protein sequence and biophysical properties (such as structural, functional, and spatial information, amino acid conservation, physicochemical variation, residue mobility, and thermodynamic stability) performed at Invitae indicates that this missense variant is expected to disrupt HOGA1 protein function. In summary, the currently available evidence indicates that the variant is pathogenic, but additional data are needed to prove that conclusively. Therefore, this variant has been classified as Likely Pathogenic. This variant disrupts the p.Arg303 amino acid residue in HOGA1. Other variant(s) that disrupt this residue have been determined to be pathogenic (PMID: 21896830, 22391140). This suggests that this residue is clinically significant, and that variants that disrupt this residue are likely to be disease-causing.

Literature cited by the submitters: PubMed 21896830 (cited by Labcorp Genetics (formerly Invitae), Labcorp); PubMed 22391140 (cited by Labcorp Genetics (formerly Invitae), Labcorp).

NM_138413.4(HOGA1):c.907C>G (p.Arg303Gly)

Gene: HOGA1 (4-hydroxy-2-oxoglutarate aldolase 1; plus strand). Cytogenetic location: 10q24.2.
Variant type: single nucleotide variant.
Coding change: c.907C>G on transcript NM_138413.4 (MANE Select); coding-DNA position 907, C replaced by G.
Protein change: p.Arg303Gly; replaces arginine 303 with glycine.
Molecular consequence: missense variant.
Genome position (GRCh38, 1-based): chr10:97,611,582, C>G. VCF-style: chr10-97611582-C-G. GRCh37 (hg19) VCF-style: chr10-99371339-C-G.
Other names: c.418C>G, p.Arg140Gly (NM_001134670.2); short protein forms R303G, R140G.
Identifiers: ClinVar variation 2763089 (VCV002763089.4), dbSNP rs149150736, ClinGen allele CA377983546.
Genomic context (GRCh38, chr10:97,611,582, plus strand): 5'-TTTGGGATCCCAGGGCTGAAGAAAATCATGGACTGGTTTGGCTACTATGGAGGCCCCTGC[C>G]GCGCCCCCTTGCAGGAGCTGAGCCCCGCTGAGGAGGAGGCACTGCGCATGGATTTCACCA-3'
Protein context (NP_612422.2, residues 293-313): DWFGYYGGPC[Arg303Gly]APLQELSPAE